The following is an entry in ClinVar:

NM_001330260.2(SCN8A):c.477G>A (p.Lys159=)

Gene: SCN8A (sodium voltage-gated channel alpha subunit 8; plus strand). Cytogenetic location: 12q13.13.
Variant type: single nucleotide variant.
Coding change: c.477G>A on transcript NM_001330260.2 (MANE Select); coding-DNA position 477, G replaced by A.
Protein change: p.Lys159=; no amino-acid change (lysine 159 retained).
Molecular consequence: synonymous variant.
Genome position (GRCh38, 1-based): chr12:51,686,449, G>A. VCF-style: chr12-51686449-G-A. GRCh37 (hg19) VCF-style: chr12-52080233-G-A.
Other names: c.477G>A, p.Lys159= (NM_001177984.3, NM_001369788.1, NM_014191.4).
Identifiers: ClinVar variation 1743035 (VCV001743035.7), dbSNP rs781190497, ClinGen allele CA6571065.
Genomic context (GRCh38, chr12:51,686,449, plus strand): 5'-GTGCACTATTTTGACCAACTGTGTATTCATGACTTTTAGTAACCCTCCTGACTGGTCGAA[G>A]AATGTGGAGTAAGTAACTCATTTATGTGTGTGCTTGTTTGTTTTAAATATTTTTAGTCAC-3'
Protein context (NP_001317189.1, residues 149-169): MTFSNPPDWS[Lys159=]NVEYTFTGIY

ClinVar aggregate classification (germline): Conflicting classifications of pathogenicity. Review status: criteria provided, conflicting classifications (1 of 4 stars). 2 submissions from 2 submitters: Uncertain significance (1); Likely benign (1). Last evaluated 2022-02-25.

Conditions:
Inborn genetic diseases. Identifiers: MedGen C0950123, MeSH D030342.
Early-infantile DEE. Also called: Early infantile epileptic encephalopathy; Ohtahara syndrome; Early infantile epileptic encephalopathy with suppression bursts. Identifiers: Orphanet 1934, MedGen C0393706, MONDO:0800491.

Allele frequency attached by ClinVar (database versions not stated): gnomAD exomes below 0.00001; ExAC 0.00001; gnomAD 0.00001; TOPMed 0.00001.
gnomAD v4.1: 4 of 1,598,692 alleles (0.00025%); highest among the groups gnomAD compares: Non-Finnish European, 0.00034%; no homozygotes.

Submissions (2):

Labcorp Genetics (formerly Invitae), Labcorp
Classification: Uncertain significance for Early-infantile DEE. Last evaluated: 2022-02-25. Review status: criteria provided, single submitter. Criteria: Invitae Variant Classification Sherloc (09022015). Collection method: clinical testing. Allele origin: germline.
Comment: This variant has not been reported in the literature in individuals affected with SCN8A-related conditions. This sequence change affects codon 159 of the SCN8A mRNA. It is a 'silent' change, meaning that it does not change the encoded amino acid sequence of the SCN8A protein. This variant is present in population databases (rs781190497, gnomAD 0.0009%). Algorithms developed to predict the effect of sequence changes on RNA splicing suggest that this variant may disrupt the consensus splice site. In summary, the available evidence is currently insufficient to determine the role of this variant in disease. Therefore, it has been classified as a Variant of Uncertain Significance.

Ambry Genetics
Classification: Likely benign for Inborn genetic diseases. Last evaluated: 2019-05-12. Review status: criteria provided, single submitter. Criteria: Ambry Variant Classification Scheme 2023. Collection method: clinical testing. Allele origin: germline.